The following is an entry in ClinVar:

NM_000516.7(GNAS):c.1118G>A (p.Arg373His)

Gene: GNAS (GNAS complex locus; plus strand). Cytogenetic location: 20q13.32.
Variant type: single nucleotide variant.
Coding change: c.1118G>A on transcript NM_000516.7 (MANE Select); coding-DNA position 1118, G replaced by A.
Protein change: p.Arg373His; replaces arginine 373 with histidine.
Molecular consequence: missense variant. On other transcripts: 3 prime UTR variant (2).
Genome position (GRCh38, 1-based): chr20:58,910,762, G>A. VCF-style: chr20-58910762-G-A. GRCh37 (hg19) VCF-style: chr20-57485817-G-A.
Other names: c.1121G>A, p.Arg374His (NM_001077488.5); c.1073G>A, p.Arg358His (NM_001077489.4); c.*979G>A (NM_001077490.3); c.941G>A, p.Arg314His (NM_001309840.2, NM_001309861.2, NM_001438276.1 and 1 more transcripts); c.1022G>A, p.Arg341His (NM_001410912.1); c.3002G>A, p.Arg1001His (NM_001410913.1); c.896G>A, p.Arg299His (NM_001438273.1, NM_001438274.1, NM_001438275.1); c.*1024G>A (NM_016592.5); and 2 more; short protein forms R1001H, R373H, R341H, R374H, R359H, R1016H, R299H, R314H.
Identifiers: ClinVar variation 4987824 (VCV004987824.1).

ClinVar aggregate classification (germline): Uncertain significance (1 of 4 stars; one submission).

Conditions:
GNAS-related disorder. Identifiers: MedGen CN380105.

Submission:

PreventionGenetics, part of Exact Sciences
Classification: Uncertain significance for GNAS-related condition. Last evaluated: 2026-02-09. Review status: criteria provided, single submitter. Criteria: ACMG Guidelines, 2015. Collection method: clinical testing. Allele origin: germline.
Comment: The GNAS c.1118G>A variant is predicted to result in the amino acid substitution p.Arg373His. To our knowledge, this variant has not been reported in the literature or in a large population database (gnomAD), indicating this variant is rare. At this time, the clinical significance of this variant is uncertain due to the absence of conclusive functional and genetic evidence.